The following is an entry in ClinVar:

NM_001346754.2(PIGW):c.570T>C (p.Tyr190=)

Genes: MYO19 (myosin XIX; minus strand), PIGW (phosphatidylinositol glycan anchor biosynthesis class W; plus strand). Cytogenetic location: 17q12.
Variant type: single nucleotide variant.
Coding change: c.570T>C on transcript NM_001346754.2 (MANE Select); coding-DNA position 570, T replaced by C.
Protein change: p.Tyr190=; no amino-acid change (tyrosine 190 retained).
Molecular consequence: synonymous variant.
Genome position (GRCh38, 1-based): chr17:36,537,671, T>C. VCF-style: chr17-36537671-T-C. GRCh37 (hg19) VCF-style: chr17-34893520-T-C.
Other names: c.570T>C, p.Tyr190= (NM_001346755.2, NM_178517.5); c.570T>C (NM_178517.4).
Identifiers: ClinVar variation 737116 (VCV000737116.12), dbSNP rs371568140, ClinGen allele CA290116051.

ClinVar aggregate classification (germline): Likely benign. Review status: criteria provided, multiple submitters, no conflicts (2 of 4 stars). 3 submissions from 3 submitters: Likely benign (3). Last evaluated 2026-09-24.

Conditions:
PIGW-related disorder. Also called: PIGW-related condition.
Hyperphosphatasia with intellectual disability syndrome 5 (GPIBD11). Also called: GLYCOSYLPHOSPHATIDYLINOSITOL BIOSYNTHESIS DEFECT 11. Identifiers: Orphanet 247262, MedGen C4014958, MONDO:0014457, OMIM 616025.

Allele frequency attached by ClinVar (database versions not stated): ExAC 0.00005; gnomAD exomes 0.00007 and 0.00008; ESP Exome Variant Server 0.00008; TOPMed 0.00012; 1000 Genomes Project 30x 0.00016; 1000 Genomes Project 0.00020.
gnomAD v4.1: 114 of 1,614,184 alleles (0.0071%); highest among the groups gnomAD compares: Admixed American, 0.033%; no homozygotes.

Submissions (3):

PreventionGenetics, part of Exact Sciences
Classification: Likely benign for PIGW-related condition. Last evaluated: 2026-09-24. Review status: criteria provided, single submitter. Criteria: ACMG Guidelines, 2015. Collection method: clinical testing. Allele origin: germline.
Comment: This variant is classified as likely benign based on ACMG/AMP sequence variant interpretation guidelines (Richards et al. 2015 PMID: 25741868, with internal and published modifications).

CeGaT Center for Human Genetics Tuebingen
Classification: Likely benign. Last evaluated: 2026-08-01. Review status: criteria provided, single submitter. Criteria: CeGaT Center For Human Genetics Tuebingen Variant Classification Criteria Version 2. Collection method: clinical testing. Allele origin: germline. Affected: yes. Observed: 1 variant allele.
Comment: PIGW: BP4, BP7

Labcorp Genetics (formerly Invitae), Labcorp
Classification: Likely benign for Hyperphosphatasia with intellectual disability syndrome 5. Last evaluated: 2026-01-17. Review status: criteria provided, single submitter. Criteria: Invitae Variant Classification Sherloc (09022015). Collection method: clinical testing. Allele origin: germline.